The following is an entry in ClinVar:

NM_018406.7(MUC4):c.9708T>C (p.Thr3236=)

Gene: MUC4 (mucin 4, cell surface associated). Cytogenetic location: 3q29.
Variant type: single nucleotide variant.
Coding change: c.9708T>C on transcript NM_018406.7 (MANE Select); coding-DNA position 9708, T replaced by C.
Protein change: p.Thr3236=; no amino-acid change (threonine 3236 retained).
Molecular consequence: synonymous variant. On other transcripts: genic upstream transcript variant (2).
Genome position (GRCh38, 1-based): chr3:195,781,872, A>G on the plus strand (T>C on the coding strand, the complement: MUC4 is on the minus strand). VCF-style: chr3-195781872-A-G. GRCh37 (hg19) VCF-style: chr3-195508743-A-G.
Other names: c.14382T>C, p.Thr4794= (NM_001322468.1); c.83-7567T>C (NM_138297.5); c.83-3417T>C (NM_004532.6).
Identifiers: ClinVar variation 2654441 (VCV002654441.24), dbSNP rs1306647359, ClinGen allele CA15263160.
Genomic context (GRCh38, chr3:195,781,872, plus strand): 5'-TGAGGAAGTGTCGGTGACAGGAAGAGAGGTGGCATGACCGGTGGATGCTGAGGAAGGGCT[A>G]GTGACAGGAAGAGGCGTGGTGTCACCTGTGGATACTGAGGAAAGGCTGGTGACAGGAAGA-3'
Protein context (NP_060876.5, residues 3226-3246): STGDTTPLPV[Thr3236=]SPSSASTGHA

ClinVar aggregate classification (germline): Likely benign (1 of 4 stars; one submission).

Allele frequency attached by ClinVar (database versions not stated): gnomAD exomes 0.00011; gnomAD 0.00065.

Submission:

CeGaT Center for Human Genetics Tuebingen
Classification: Likely benign. Last evaluated: 2023-01-01. Review status: criteria provided, single submitter. Criteria: CeGaT Center For Human Genetics Tuebingen Variant Classification Criteria Version 2. Collection method: clinical testing. Allele origin: germline. Affected: yes. Observed: 1 variant allele.
Comment: MUC4: BP4, BP7